The following is an entry in ClinVar:

NM_000784.4(CYP27A1):c.595G>A (p.Gly199Arg)

Gene: CYP27A1 (cytochrome P450 family 27 subfamily A member 1; plus strand). Cytogenetic location: 2q35.
Variant type: single nucleotide variant.
Coding change: c.595G>A on transcript NM_000784.4 (MANE Select); coding-DNA position 595, G replaced by A.
Protein change: p.Gly199Arg; replaces glycine 199 with arginine.
Molecular consequence: missense variant.
Genome position (GRCh38, 1-based): chr2:218,812,370, G>A. VCF-style: chr2-218812370-G-A. GRCh37 (hg19) VCF-style: chr2-219677093-G-A.
Other names: short protein forms G199R.
Identifiers: ClinVar variation 1446849 (VCV001446849.8), dbSNP rs2105980019, ClinGen allele CA350585385.

ClinVar aggregate classification (germline): Uncertain significance (1 of 4 stars; one submission).

Conditions:
Cholestanol storage disease (CTX). Also called: CEREBRAL CHOLESTERINOSIS; Cerebrotendinous Xanthomatosis; CTX: Cerebrotendinous xanthomatosis. Identifiers: Orphanet 909, MedGen C0238052, MONDO:0008948, OMIM 213700.

Submission:

Labcorp Genetics (formerly Invitae), Labcorp
Classification: Uncertain significance for Cholestanol storage disease. Last evaluated: 2021-07-04. Review status: criteria provided, single submitter. Criteria: Invitae Variant Classification Sherloc (09022015). Collection method: clinical testing. Allele origin: germline.
Comment: In summary, the available evidence is currently insufficient to determine the role of this variant in disease. Therefore, it has been classified as a Variant of Uncertain Significance. This variant is not present in population databases (ExAC no frequency). This variant has not been reported in the literature in individuals affected with CYP27A1-related conditions. This sequence change replaces glycine with arginine at codon 199 of the CYP27A1 protein (p.Gly199Arg). The glycine residue is highly conserved and there is a moderate physicochemical difference between glycine and arginine. Advanced modeling of protein sequence and biophysical properties (such as structural, functional, and spatial information, amino acid conservation, physicochemical variation, residue mobility, and thermodynamic stability) performed at Invitae indicates that this missense variant is not expected to disrupt CYP27A1 protein function.